The following is an entry in ClinVar:

ClinVar aggregate classification (germline): Likely benign. Review status: criteria provided, single submitter (1 of 4 stars). 2 submissions from 2 submitters: Likely benign (1). 1 of the submissions does not count toward it. Last evaluated 2025-06-27.

Conditions:
LMX1B-related disorder. Also called: LMX1B-related condition.

Submissions (2):

Labcorp Genetics (formerly Invitae), Labcorp
Classification: Likely benign. Last evaluated: 2025-06-27. Review status: criteria provided, single submitter. Criteria: Invitae Variant Classification Sherloc (09022015). Collection method: clinical testing. Allele origin: germline.

PreventionGenetics, part of Exact Sciences
Classification: Likely benign for LMX1B-related condition. Last evaluated: 2022-05-19. Review status: no assertion criteria provided. Collection method: clinical testing. Allele origin: germline. Not counted in ClinVar's aggregate classification.
Comment: This variant is classified as likely benign based on ACMG/AMP sequence variant interpretation guidelines (Richards et al. 2015 PMID: 25741868, with internal and published modifications).

NM_001174147.2(LMX1B):c.741+8del

Gene: LMX1B (LIM homeobox transcription factor 1 beta; plus strand). Cytogenetic location: 9q33.3.
Variant type: Deletion.
Coding change: c.741+8del on transcript NM_001174147.2 (MANE Select); 8 bases into the intron after coding-DNA position 741, one base deleted (G; older notation c.741+8delG).
Molecular consequence: intron variant.
Genome position (GRCh38, 1-based): chr9:126,693,331, G deleted; the last of 4 consecutive G bases (chr9:126,693,328-126,693,331); deleting any one gives the same sequence. VCF-style (leftmost placement, unchanged base first): chr9-126693327-AG-A. GRCh37 (hg19) VCF-style: chr9-129455606-AG-A.
Other names: c.741+8del (NM_001174146.2, NM_002316.4); c.741+8delG (NM_002316.3).
Identifiers: ClinVar variation 1107100 (VCV001107100.11), dbSNP rs779132103, ClinGen allele CA5242394.